The following is an entry in ClinVar:

NM_152703.5(SAMD9L):c.1598C>T (p.Thr533Ile)

Gene: SAMD9L (sterile alpha motif domain containing 9 like; minus strand). Cytogenetic location: 7q21.2.
Variant type: single nucleotide variant.
Coding change: c.1598C>T on transcript NM_152703.5 (MANE Select); coding-DNA position 1598, C replaced by T.
Protein change: p.Thr533Ile; replaces threonine 533 with isoleucine.
Molecular consequence: missense variant.
Genome position (GRCh38, 1-based): chr7:93,134,374, G>A on the plus strand (C>T on the coding strand, the complement: SAMD9L is on the minus strand). VCF-style: chr7-93134374-G-A. GRCh37 (hg19) VCF-style: chr7-92763687-G-A.
Other names: c.1598C>T, p.Thr533Ile (NM_001303496.3, NM_001303497.3, NM_001303498.3 and 5 more transcripts); c.1598C>T (NM_152703.2); short protein forms T533I.
Identifiers: ClinVar variation 2102060 (VCV002102060.5), dbSNP rs757814964, ClinGen allele CA161962246.
Genomic context (GRCh38, chr7:93,134,374, plus strand): 5'-ACTGAAGAGAGTAATAGAAACACTACCAAAAATTTTCCTCTTGTCATTATATTTTCATCT[G>A]TGAGAAATAAAATTAGTTTCCTGACTTCTGAAGCTCTTTCTCTCTGCCATAAATGTGGTT-3'
Protein context (NP_689916.2, residues 523-543): SEVRKLILFL[Thr533Ile]DENIMTRGKF

ClinVar aggregate classification (germline): Uncertain significance. Review status: criteria provided, multiple submitters, no conflicts (2 of 4 stars). 2 submissions from 2 submitters: Uncertain significance (2). Last evaluated 2026-03-11.

Conditions:
Inborn genetic diseases. Identifiers: MedGen C0950123, MeSH D030342.

Submissions (2):

Ambry Genetics
Classification: Uncertain significance for Inborn genetic diseases. Last evaluated: 2026-03-11. Review status: criteria provided, single submitter. Criteria: Ambry Variant Classification Scheme 2023. Collection method: clinical testing. Allele origin: germline.
Comment: The p.T533I variant (also known as c.1598C>T), located in coding exon 1 of the SAMD9L gene, results from a C to T substitution at nucleotide position 1598. The threonine at codon 533 is replaced by isoleucine, an amino acid with similar properties. This amino acid position is conserved. In addition, this alteration is predicted to be tolerated by in silico analysis. Based on the available evidence, the clinical significance of this variant remains unclear.

Labcorp Genetics (formerly Invitae), Labcorp
Classification: Uncertain significance. Last evaluated: 2022-02-22. Review status: criteria provided, single submitter. Criteria: Invitae Variant Classification Sherloc (09022015). Collection method: clinical testing. Allele origin: germline.
Comment: In summary, the available evidence is currently insufficient to determine the role of this variant in disease. Therefore, it has been classified as a Variant of Uncertain Significance. Algorithms developed to predict the effect of missense changes on protein structure and function are either unavailable or do not agree on the potential impact of this missense change (SIFT: "Not Available"; PolyPhen-2: "Benign"; Align-GVGD: "Not Available"). This variant has not been reported in the literature in individuals affected with SAMD9L-related conditions. This variant is not present in population databases (gnomAD no frequency). This sequence change replaces threonine, which is neutral and polar, with isoleucine, which is neutral and non-polar, at codon 533 of the SAMD9L protein (p.Thr533Ile).